The following is an entry in ClinVar:

ClinVar aggregate classification (germline): Uncertain significance (1 of 4 stars; one submission).

Conditions:
Brugada syndrome 5 (BRGDA5). Identifiers: Orphanet 130, Orphanet 871, MedGen C2748541, MONDO:0013015, OMIM 612838.

gnomAD v4.1: 1 of 1,577,466 alleles (0.000063%); no homozygotes.

Submission:

Labcorp Genetics (formerly Invitae), Labcorp
Classification: Uncertain significance for Brugada syndrome 5. Last evaluated: 2025-09-22. Review status: criteria provided, single submitter. Criteria: Invitae Variant Classification Sherloc (09022015). Collection method: clinical testing. Allele origin: germline.
Comment: This sequence change replaces proline, which is neutral and non-polar, with threonine, which is neutral and polar, at codon 207 of the SCN1B protein (p.Pro207Thr). This variant is not present in population databases (gnomAD no frequency). This variant has not been reported in the literature in individuals affected with SCN1B-related conditions. ClinVar contains an entry for this variant (Variation ID: 3679585). An algorithm developed to predict the effect of missense changes on protein structure and function (PolyPhen-2) suggests that this variant is likely to be tolerated. In summary, the available evidence is currently insufficient to determine the role of this variant in disease. Therefore, it has been classified as a Variant of Uncertain Significance.

NM_001037.5(SCN1B):c.448+171C>A

Gene: SCN1B (sodium voltage-gated channel beta subunit 1; plus strand). Cytogenetic location: 19q13.11.
Variant type: single nucleotide variant.
Coding change: c.448+171C>A on transcript NM_001037.5 (MANE Select); 171 bases into the intron after coding-DNA position 448, C replaced by A.
Molecular consequence: intron variant. On other transcripts: missense variant (1).
Genome position (GRCh38, 1-based): chr19:35,033,910, C>A. VCF-style: chr19-35033910-C-A. GRCh37 (hg19) VCF-style: chr19-35524814-C-A.
Other names: c.619C>A, p.Pro207Thr (NM_199037.5); c.349+171C>A (NM_001321605.2); short protein forms P207T.
Identifiers: ClinVar variation 3679585 (VCV003679585.2).
Genomic context (GRCh38, chr19:35,033,910, plus strand): 5'-CGCCCACAGCAGCGGGCTGAGGGGGAGGGGAGCAGCCCCTCCTGCCCACTCCAGCTCTGG[C>A]CTCTGTTTCTCTCCAGCCCACGGAGAGGTCAAAGCATGCCTGTCCCCCACAGACGCTCCG-3'